The following is an entry in ClinVar:

NM_000136.3(FANCC):c.94C>A (p.Gln32Lys)

Gene: FANCC (FA complementation group C; minus strand). Cytogenetic location: 9q22.32.
Variant type: single nucleotide variant.
Coding change: c.94C>A on transcript NM_000136.3 (MANE Select); coding-DNA position 94, C replaced by A.
Protein change: p.Gln32Lys; replaces glutamine 32 with lysine.
Molecular consequence: missense variant.
Genome position (GRCh38, 1-based): chr9:95,249,198, G>T on the plus strand (C>A on the coding strand, the complement: FANCC is on the minus strand). VCF-style: chr9-95249198-G-T. GRCh37 (hg19) VCF-style: chr9-98011480-G-T.
Other names: c.94C>A, p.Gln32Lys (NM_001243743.2, NM_001243744.2); short protein forms Q32K.
Identifiers: ClinVar variation 2578114 (VCV002578114.2), dbSNP rs1831176210, ClinGen allele CA374340349.
Genomic context (GRCh38, chr9:95,249,198, plus strand): 5'-AGGCTTCATACATCTTCCTTAGGAACTCCTGGAACTGAGCCACGTGAAGACAGGTGTCTT[G>T]CTGGGTTTCCAAAGTGGAAGCCTGATCCCATACAGAAAGCTTCTGCATCCAAAACTGATA-3'
Protein context (NP_000127.2, residues 22-42): WDQASTLETQ[Gln32Lys]DTCLHVAQFQ

ClinVar aggregate classification (germline): Uncertain significance. Review status: criteria provided, multiple submitters, no conflicts (2 of 4 stars). 2 submissions from 2 submitters: Uncertain significance (2). Last evaluated 2024-03-26.

Submissions (2):

Quest Diagnostics Nichols Institute San Juan Capistrano
Classification: Uncertain significance. Last evaluated: 2024-03-26. Review status: criteria provided, single submitter. Criteria: Quest Diagnostics criteria. Collection method: clinical testing. Allele origin: unknown.
Comment: The FANCC c.94C>A (p.Gln32Lys) variant has not been reported in individuals with FANCC-related conditions in the published literature. It also has not been reported in large, multi-ethnic general populations (Genome Aggregation Database). Analysis of this variant using bioinformatics tools for the prediction of the effect of amino acid changes on protein structure and function yielded predictions that this variant is benign. Based on the available information, we are unable to determine the clinical significance of this variant.

GeneDx
Classification: Uncertain significance. Last evaluated: 2023-03-01. Review status: criteria provided, single submitter. Criteria: GeneDx Variant Classification Process June 2021. Collection method: clinical testing. Allele origin: germline. Affected: yes.
Comment: Not observed at significant frequency in large population cohorts (gnomAD); In silico analysis supports that this missense variant does not alter protein structure/function; Has not been previously published as pathogenic or benign to our knowledge; This variant is associated with the following publications: (PMID: Gordon2000[Book])